The following is an entry in ClinVar:

NM_001142800.2(EYS):c.6381_6393del (p.Gln2127fs)

Gene: EYS (EGF-like photoreceptor maintenance factor; minus strand). Cytogenetic location: 6q12.
Variant type: Deletion.
Coding change: c.6381_6393del on transcript NM_001142800.2 (MANE Select); coding-DNA positions 6381 to 6393, 13 bases deleted (ATGTGACTGTCCA).
Protein change: p.Gln2127fs; shifts the reading frame from glutamine 2127.
Molecular consequence: frameshift variant.
Genome position (GRCh38, 1-based): chr6:64,230,623-64,230,635, TGGACAGTCACAT deleted on the plus strand (ATGTGACTGTCCA on the coding strand, the reverse complement: EYS is on the minus strand); deleting any 13 consecutive bases within chr6:64,230,623-64,230,639 gives the same sequence; the c. name uses the placement nearest the transcript's 3' end. VCF-style (leftmost placement, unchanged base first): chr6-64230622-GTGGACAGTCACAT-G. GRCh37 (hg19) VCF-style: chr6-64940515-GTGGACAGTCACAT-G.
Other names: c.6381_6393del, p.Gln2127fs (NM_001292009.2); short protein forms Q2127fs.
Identifiers: ClinVar variation 1071945 (VCV001071945.7), dbSNP rs2150337928, ClinGen allele CA2499218441.

ClinVar aggregate classification (germline): Pathogenic (1 of 4 stars; one submission).

Submission:

Labcorp Genetics (formerly Invitae), Labcorp
Classification: Pathogenic. Last evaluated: 2020-07-15. Review status: criteria provided, single submitter. Criteria: Invitae Variant Classification Sherloc (09022015). Collection method: clinical testing. Allele origin: germline.
Comment: For these reasons, this variant has been classified as Pathogenic. Loss-of-function variants in EYS are known to be pathogenic (PMID: 18836446, 20333770). This variant has not been reported in the literature in individuals with EYS-related conditions. This variant is not present in population databases (ExAC no frequency). This sequence change creates a premature translational stop signal (p.Gln2127Hisfs*26) in the EYS gene. It is expected to result in an absent or disrupted protein product.

Literature cited by the submitters: PubMed 18836446; PubMed 20333770.